The following is an entry in ClinVar:

ClinVar aggregate classification (germline): Likely benign (1 of 4 stars; one submission).

Submission:

CeGaT Center for Human Genetics Tuebingen
Classification: Likely benign. Last evaluated: 2023-02-01. Review status: criteria provided, single submitter. Criteria: CeGaT Center For Human Genetics Tuebingen Variant Classification Criteria Version 2. Collection method: clinical testing. Allele origin: germline. Affected: yes. Observed: 1 variant allele.
Comment: CARD14: PM2:Supporting, BP4, BP7

NM_001366385.1(CARD14):c.1836C>A (p.Gly612=)

Gene: CARD14 (caspase recruitment domain family member 14; plus strand). Cytogenetic location: 17q25.3.
Variant type: single nucleotide variant.
Coding change: c.1836C>A on transcript NM_001366385.1 (MANE Select); coding-DNA position 1836, C replaced by A.
Protein change: p.Gly612=; no amino-acid change (glycine 612 retained).
Molecular consequence: synonymous variant. On other transcripts: non-coding transcript variant (1).
Genome position (GRCh38, 1-based): chr17:80,198,576, C>A. VCF-style: chr17-80198576-C-A. GRCh37 (hg19) VCF-style: chr17-78172375-C-A.
Other names: c.1836C>A, p.Gly612= (NM_001257970.1, NM_024110.4); c.1125C>A, p.Gly375= (NM_052819.3).
Identifiers: ClinVar variation 2648400 (VCV002648400.24), dbSNP rs758753920, ClinGen allele CA502182842.